The following is an entry in ClinVar:

ClinVar aggregate classification (germline): Uncertain significance (1 of 4 stars; one submission).

Conditions:
Immunodeficiency 51 (IMD51). Also called: CANDIDIASIS, FAMILIAL, 5. Identifiers: Orphanet 1334, MedGen C4310803, MONDO:0013500, OMIM 613953.

Submission:

Labcorp Genetics (formerly Invitae), Labcorp
Classification: Uncertain significance for Immunodeficiency 51. Last evaluated: 2025-01-21. Review status: criteria provided, single submitter. Criteria: Invitae Variant Classification Sherloc (09022015). Collection method: clinical testing. Allele origin: germline.
Comment: This sequence change replaces proline, which is neutral and non-polar, with glutamine, which is neutral and polar, at codon 7 of the IL17RA protein (p.Pro7Gln). This variant is not present in population databases (gnomAD no frequency). This variant has not been reported in the literature in individuals affected with IL17RA-related conditions. Experimental studies and prediction algorithms are not available or were not evaluated, and the functional significance of this variant is currently unknown. In summary, the available evidence is currently insufficient to determine the role of this variant in disease. Therefore, it has been classified as a Variant of Uncertain Significance.

NM_014339.7(IL17RA):c.20C>A (p.Pro7Gln)

Genes: IL17RA (interleukin 17 receptor A; plus strand), LOC130066894 (ATAC-STARR-seq lymphoblastoid silent region 13430; plus strand). Cytogenetic location: 22q11.1.
Variant type: single nucleotide variant.
Coding change: c.20C>A on transcript NM_014339.7 (MANE Select); coding-DNA position 20, C replaced by A.
Protein change: p.Pro7Gln; replaces proline 7 with glutamine.
Molecular consequence: missense variant.
Genome position (GRCh38, 1-based): chr22:17,085,111, C>A. VCF-style: chr22-17085111-C-A. GRCh37 (hg19) VCF-style: chr22-17566001-C-A.
Other names: c.20C>A, p.Pro7Gln (NM_001289905.2); short protein forms P7Q.
Identifiers: ClinVar variation 3667796 (VCV003667796.2).